The following is an entry in ClinVar:

NM_006531.5(IFT88):c.1197T>A (p.Asp399Glu)

Gene: IFT88 (intraflagellar transport 88; plus strand). Cytogenetic location: 13q12.11.
Variant type: single nucleotide variant.
Coding change: c.1197T>A on transcript NM_006531.5 (MANE Select); coding-DNA position 1197, T replaced by A.
Protein change: p.Asp399Glu; replaces aspartic acid 399 with glutamic acid.
Molecular consequence: missense variant. On other transcripts: non-coding transcript variant (5), intron variant (1).
Genome position (GRCh38, 1-based): chr13:20,615,877, T>A. VCF-style: chr13-20615877-T-A. GRCh37 (hg19) VCF-style: chr13-21190016-T-A.
Other names: c.1140T>A, p.Asp380Glu (NM_001318491.2, NM_001353575.2); c.1224T>A, p.Asp408Glu (NM_001318493.2, NM_001353565.2, NM_001353566.2 and 2 more transcripts); c.1197T>A, p.Asp399Glu (NM_001353568.2, NM_001353572.2); c.1122T>A, p.Asp374Glu (NM_001353569.2, NM_001353570.2, NM_001353576.2 and 1 more transcripts); c.1095T>A, p.Asp365Glu (NM_001353571.2, NM_001353578.2); c.1038T>A, p.Asp346Glu (NM_001353574.2); c.564T>A, p.Asp188Glu (NM_001353579.2); c.1056-9873T>A (NM_001353573.2); and 1 more; short protein forms D365E, D408E, D374E, D188E, D346E, D399E, D380E.
Identifiers: ClinVar variation 1466725 (VCV001466725.7), dbSNP rs145383209, ClinGen allele CA6905313.

ClinVar aggregate classification (germline): Uncertain significance. Review status: criteria provided, multiple submitters, no conflicts (2 of 4 stars). 2 submissions from 2 submitters: Uncertain significance (2). Last evaluated 2025-01-07.

gnomAD v4.1: 73 of 1,591,918 alleles (0.0046%); highest among the groups gnomAD compares: Non-Finnish European, 0.0052%; no homozygotes.

Submissions (2):

Labcorp Genetics (formerly Invitae), Labcorp
Classification: Uncertain significance. Last evaluated: 2025-01-07. Review status: criteria provided, single submitter. Criteria: Invitae Variant Classification Sherloc (09022015). Collection method: clinical testing. Allele origin: germline.
Comment: This sequence change replaces aspartic acid, which is acidic and polar, with glutamic acid, which is acidic and polar, at codon 408 of the IFT88 protein (p.Asp408Glu). This variant is present in population databases (rs145383209, gnomAD 0.009%). This variant has not been reported in the literature in individuals affected with IFT88-related conditions. ClinVar contains an entry for this variant (Variation ID: 1466725). An algorithm developed to predict the effect of missense changes on protein structure and function (PolyPhen-2) suggests that this variant is likely to be tolerated. In summary, the available evidence is currently insufficient to determine the role of this variant in disease. Therefore, it has been classified as a Variant of Uncertain Significance.

Ambry Genetics
Classification: Uncertain significance. Last evaluated: 2024-06-16. Review status: criteria provided, single submitter. Criteria: Ambry Variant Classification Scheme 2023. Collection method: clinical testing. Allele origin: germline.